The following is an entry in ClinVar:

NM_003611.3(OFD1):c.2600-5_2600del

Gene: OFD1 (OFD1 centriole and centriolar satellite protein; plus strand). Cytogenetic location: Xp22.2.
Variant type: Deletion.
Coding change: c.2600-5_2600del on transcript NM_003611.3 (MANE Select); 5 bases into the intron before coding-DNA position 2600 through coding-DNA position 2600, 6 bases deleted (ATTAGG; older notation c.2600-5_2600delATTAGG).
Molecular consequence: splice acceptor variant.
Genome position (GRCh38, 1-based): chrX:13,767,122-13,767,127, ATTAGG deleted. VCF-style (leftmost placement, unchanged base first): chrX-13767121-TATTAGG-T. GRCh37 (hg19) VCF-style: chrX-13785240-TATTAGG-T.
Other names: c.2180-5_2180del (NM_001330210.2); c.2480-5_2480del (NM_001330209.2).
Identifiers: ClinVar variation 2931056 (VCV002931056.3), dbSNP rs766872363, ClinGen allele CA10352055.
Genomic context (GRCh38, chrX:13,767,121, plus strand): 5'-GACTGGTCCTGCATTCATTTGAATAATCTGATACTGGAAGCTACTCTTTATTTTCTGTCC[TATTAGG>T]TGTAGATCAGAAACAAATTGAAGAACAAAAGGAAGAAGAAAAAATACGGGAACAGCAAGT-3'

ClinVar aggregate classification (germline): Likely pathogenic (1 of 4 stars; one submission).

Conditions:
Joubert syndrome. Also called: CEREBELLOPARENCHYMAL DISORDER IV; JOUBERT-BOLTSHAUSER SYNDROME; Familial aplasia of the vermis. Identifiers: Orphanet 475, MedGen C5979921, MONDO:0018772.
Orofaciodigital syndrome I (OFD1). Also called: OFDS I; Papillon-Leage and Psaume Syndrome; Oral-Facial-Digital Syndrome Type I. Identifiers: Orphanet 2750, MedGen C1510460, MONDO:0010702, OMIM 311200.

Allele frequency attached by ClinVar (database versions not stated): ExAC 0.00002; gnomAD exomes 0.00002.

Submission:

Labcorp Genetics (formerly Invitae), Labcorp
Classification: Likely pathogenic for Orofaciodigital syndrome I; Joubert syndrome. Last evaluated: 2024-01-08. Review status: criteria provided, single submitter. Criteria: Invitae Variant Classification Sherloc (09022015). Collection method: clinical testing. Allele origin: germline.
Comment: This variant results in the deletion of part of exon 20 (c.2600-5_2600del) of the OFD1 gene. It is expected to disrupt RNA splicing. Variants that disrupt the donor or acceptor splice site typically lead to a loss of protein function (PMID: 16199547), and loss-of-function variants in OFD1 are known to be pathogenic (PMID: 16783569, 18546297, 27081566). This variant is present in population databases (rs766872363, gnomAD 0.02%). This variant has not been reported in the literature in individuals affected with OFD1-related conditions. Algorithms developed to predict the effect of sequence changes on RNA splicing suggest that this variant may disrupt the consensus splice site. In summary, the currently available evidence indicates that the variant is pathogenic, but additional data are needed to prove that conclusively. Therefore, this variant has been classified as Likely Pathogenic.

Literature cited by the submitters: PubMed 16199547; PubMed 16783569; PubMed 18546297; PubMed 27081566.